The following is an entry in ClinVar:

NM_000069.3(CACNA1S):c.1491C>T (p.Asn497=)

Gene: CACNA1S (calcium voltage-gated channel subunit alpha1 S; minus strand). Cytogenetic location: 1q32.1.
Variant type: single nucleotide variant.
Coding change: c.1491C>T on transcript NM_000069.3 (MANE Select); coding-DNA position 1491, C replaced by T.
Protein change: p.Asn497=; no amino-acid change (asparagine 497 retained).
Molecular consequence: synonymous variant.
Genome position (GRCh38, 1-based): chr1:201,078,007, G>A on the plus strand (C>T on the coding strand, the complement: CACNA1S is on the minus strand). VCF-style: chr1-201078007-G-A. GRCh37 (hg19) VCF-style: chr1-201047135-G-A.
Other names: p.Asn497=.
Identifiers: ClinVar variation 254795 (VCV000254795.21), dbSNP rs16847674, ClinGen allele CA078263.

ClinVar aggregate classification (germline): Benign. Review status: criteria provided, multiple submitters, no conflicts (2 of 4 stars). 13 submissions from 10 submitters: Benign (13). Last evaluated 2026-02-04.

Conditions:
Congenital myopathy 18. Also called: DIHYDROPYRIDINE RECEPTOR CONGENITAL MYOPATHY; DHPR CONGENITAL MYOPATHY; Myopathy, congenital, due to dihydropyridine receptor defect. Identifiers: MedGen C5830283, MONDO:0859514, OMIM 620246.
Malignant hyperthermia, susceptibility to, 5 (MHS5). Also called: CACNA1S-Related Malignant Hyperthermia Susceptibility. Identifiers: Orphanet 423, MedGen C1866077, MONDO:0011163, OMIM 601887.
Hypokalemic periodic paralysis, type 1. Also called: HypoPP; Hypokalemic Periodic Paralysis Type 1 (AD). Identifiers: Orphanet 681, MedGen C3714580, MONDO:0042979, OMIM 170400.
Thyrotoxic periodic paralysis, susceptibility to, 1 (TTPP1). Identifiers: Orphanet 79102, MedGen C2749982, MONDO:0008570, OMIM 188580.

Allele frequency attached by ClinVar (database versions not stated): ESP Exome Variant Server 0.08442; ExAC 0.08480; gnomAD exomes 0.08722; gnomAD 0.09555 and 0.09605; TOPMed 0.10098; 1000 Genomes Project 30x 0.11868; 1000 Genomes Project 0.12200.
gnomAD v4.1: 105,888 of 1,614,036 alleles (6.6%); highest among the groups gnomAD compares: East Asian, 22%; 4,769 homozygotes.

Submissions (13):

Labcorp Genetics (formerly Invitae), Labcorp
Classification: Benign for Hypokalemic periodic paralysis, type 1; Malignant hyperthermia, susceptibility to, 5. Last evaluated: 2026-02-04. Review status: criteria provided, single submitter. Criteria: Invitae Variant Classification Sherloc (09022015). Collection method: clinical testing. Allele origin: germline.

All of Us Research Program, National Institutes of Health
Classification: Benign for Malignant hyperthermia, susceptibility to, 5. Last evaluated: 2024-02-05. Review status: criteria provided, single submitter. Criteria: ACMG Guidelines, 2015. Collection method: clinical testing. Allele origin: germline. Inheritance: Autosomal dominant inheritance. Observed: 14,230 variant alleles, 13,545 heterozygotes, 685 homozygotes.
Comment: This study involves interpretation of variants in research participants for the purpose of population health screening. Participant phenotype was not available at the time of variant classification. Additional details can be found in publication PMID: 35346344, PMCID: PMC8962531

Genome-Nilou Lab
Classification: Benign for Malignant hyperthermia, susceptibility to, 5. Last evaluated: 2023-04-11. Review status: criteria provided, single submitter. Criteria: ACMG Guidelines, 2015. Collection method: clinical testing. Allele origin: germline. Affected: no.

Genome-Nilou Lab
Classification: Benign for Thyrotoxic periodic paralysis, susceptibility to, 1. Last evaluated: 2023-04-11. Review status: criteria provided, single submitter. Criteria: ACMG Guidelines, 2015. Collection method: clinical testing. Allele origin: germline. Affected: no.

Genome-Nilou Lab
Classification: Benign for Congenital myopathy 18. Last evaluated: 2023-04-11. Review status: criteria provided, single submitter. Criteria: ACMG Guidelines, 2015. Collection method: clinical testing. Allele origin: germline. Affected: no.

Genome-Nilou Lab
Classification: Benign for Hypokalemic periodic paralysis, type 1. Last evaluated: 2023-04-11. Review status: criteria provided, single submitter. Criteria: ACMG Guidelines, 2015. Collection method: clinical testing. Allele origin: germline. Affected: no.

Athena Diagnostics
Classification: Benign. Last evaluated: 2021-06-25. Review status: criteria provided, single submitter. Criteria: Athena Diagnostics Criteria. Collection method: clinical testing. Allele origin: unknown.

Color Diagnostics, LLC DBA Color Health
Classification: Benign for Malignant hyperthermia, susceptibility to, 5. Last evaluated: 2019-03-28. Review status: criteria provided, single submitter. Criteria: ACMG Guidelines, 2015. Collection method: clinical testing. Allele origin: germline.

Illumina Laboratory Services, Illumina
Classification: Benign for Hypokalemic periodic paralysis, type 1. Last evaluated: 2018-01-13. Review status: criteria provided, single submitter. Criteria: ICSL Variant Classification Criteria 13 December 2019. Collection method: clinical testing. Allele origin: germline.
Comment: This variant was observed in the ICSL laboratory as part of a predisposition screen in an ostensibly healthy population. It had not been previously curated by ICSL or reported in the Human Gene Mutation Database (HGMD: prior to June 1st, 2018), and was therefore a candidate for classification through an automated scoring system. Utilizing variant allele frequency, disease prevalence and penetrance estimates, and inheritance mode, an automated score was calculated to assess if this variant is too frequent to cause the disease. Based on the score and internal cut-off values, a variant classified as benign is not then subjected to further curation. The score for this variant resulted in a classification of benign for this disease.

Mayo Clinic Laboratories, Mayo Clinic
Classification: Benign. Last evaluated: 2017-07-21. Review status: criteria provided, single submitter. Criteria: ACMG Guidelines, 2015. Collection method: clinical testing. Allele origin: germline. Observed: 71 variant alleles.

GeneDx
Classification: Benign. Last evaluated: 2016-02-23. Review status: criteria provided, single submitter. Criteria: GeneDx Variant Classification (06012015). Collection method: clinical testing. Allele origin: germline. Affected: yes.
Comment: This variant is considered likely benign or benign based on one or more of the following criteria: it is a conservative change, it occurs at a poorly conserved position in the protein, it is predicted to be benign by multiple in silico algorithms, and/or has population frequency not consistent with disease.

Breakthrough Genomics
Classification: Benign. Review status: criteria provided, single submitter. Criteria: ACMG Guidelines, 2015. Collection method: not provided. Allele origin: germline. Inheritance: Autosomal dominant inheritance. Affected: yes.

PreventionGenetics, part of Exact Sciences
Classification: Benign. Review status: criteria provided, single submitter. Criteria: ACMG Guidelines, 2015. Collection method: clinical testing. Allele origin: germline.